The following is an entry in ClinVar:

ClinVar aggregate classification (germline): Uncertain significance (1 of 4 stars; one submission).

gnomAD v4.1: 3 of 1,613,854 alleles (0.00019%); highest among the groups gnomAD compares: Non-Finnish European, 0.00025%; no homozygotes.

Submission:

Athena Diagnostics
Classification: Uncertain significance. Last evaluated: 2023-03-02. Review status: criteria provided, single submitter. Criteria: Athena Diagnostics Criteria. Collection method: clinical testing. Allele origin: unknown.
Comment: Available data are insufficient to determine the clinical significance of the variant at this time. The frequency of this variant in the general population is uninformative in assessment of its pathogenicity. Computational tools predict that this variant is not damaging.

NM_182961.4(SYNE1):c.16909T>G (p.Phe5637Val)

Genes: SYNE1 (spectrin repeat containing nuclear envelope protein 1; minus strand), LOC126859837 (BRD4-independent group 4 enhancer GRCh37_chr6:152630775-152631974; plus strand). Cytogenetic location: 6q25.2.
Variant type: single nucleotide variant.
Coding change: c.16909T>G on transcript NM_182961.4 (MANE Select); coding-DNA position 16909, T replaced by G.
Protein change: p.Phe5637Val; replaces phenylalanine 5637 with valine.
Molecular consequence: missense variant.
Genome position (GRCh38, 1-based): chr6:152,310,506, A>C on the plus strand (T>G on the coding strand, the complement: SYNE1 is on the minus strand). VCF-style: chr6-152310506-A-C. GRCh37 (hg19) VCF-style: chr6-152631641-A-C.
Other names: c.16696T>G, p.Phe5566Val (NM_033071.5); short protein forms F5566V, F5637V.
Identifiers: ClinVar variation 2684037 (VCV002684037.1), dbSNP rs1267969296, ClinGen allele CA366107609.